The following is an entry in ClinVar:

ClinVar aggregate classification (germline): Benign/Likely benign. Review status: criteria provided, multiple submitters, no conflicts (2 of 4 stars). 3 submissions from 3 submitters: Benign (1); Likely benign (1). 1 of the submissions does not count toward it. Last evaluated 2025-12-23.

Conditions:
Nemaline myopathy 6 (NEM6). Also called: Nemaline myopathy 6, autosomal dominant. Identifiers: Orphanet 171439, MedGen C1836472, MONDO:0012237, OMIM 609273.
KBTBD13-related disorder. Also called: KBTBD13-related condition.

Allele frequency attached by ClinVar (database versions not stated): TOPMed 0.00001; gnomAD 0.00009; gnomAD exomes 0.00015 and 0.00038; 1000 Genomes Project 0.00040; 1000 Genomes Project 30x 0.00062; ExAC 0.00092.
gnomAD v4.1: 232 of 1,582,590 alleles (0.015%); highest among the groups gnomAD compares: South Asian, 0.24%; 2 homozygotes.

Submissions (3):

Labcorp Genetics (formerly Invitae), Labcorp
Classification: Benign for Nemaline myopathy 6. Last evaluated: 2025-12-23. Review status: criteria provided, single submitter. Criteria: Invitae Variant Classification Sherloc (09022015). Collection method: clinical testing. Allele origin: germline.

Blueprint Genetics
Classification: Likely benign. Last evaluated: 2024-03-05. Review status: criteria provided, single submitter. Criteria: ACMG Guidelines, 2015. Collection method: clinical testing. Allele origin: germline.

PreventionGenetics, part of Exact Sciences
Classification: Likely benign for KBTBD13-related condition. Last evaluated: 2023-12-11. Review status: no assertion criteria provided. Collection method: clinical testing. Allele origin: germline. Not counted in ClinVar's aggregate classification.
Comment: This variant is classified as likely benign based on ACMG/AMP sequence variant interpretation guidelines (Richards et al. 2015 PMID: 25741868, with internal and published modifications).

NM_001101362.3(KBTBD13):c.795C>T (p.Gly265=)

Gene: KBTBD13 (kelch repeat and BTB domain containing 13; plus strand). Cytogenetic location: 15q22.31.
Variant type: single nucleotide variant.
Coding change: c.795C>T on transcript NM_001101362.3 (MANE Select); coding-DNA position 795, C replaced by T.
Protein change: p.Gly265=; no amino-acid change (glycine 265 retained).
Molecular consequence: synonymous variant.
Genome position (GRCh38, 1-based): chr15:65,077,610, C>T. VCF-style: chr15-65077610-C-T. GRCh37 (hg19) VCF-style: chr15-65369948-C-T.
Other names: c.795C>T (NM_001101362.2).
Identifiers: ClinVar variation 1599028 (VCV001599028.11), dbSNP rs577503698, ClinGen allele CA7613985.